The following is an entry in ClinVar:

ClinVar aggregate classification (germline): Uncertain significance (1 of 4 stars; one submission).

Conditions:
Gorlin syndrome. Also called: Basal cell nevus syndrome; Nevoid Basal Cell Carcinoma Syndrome. Identifiers: Orphanet 377, MedGen C0004779, MONDO:0007187.

Allele frequency attached by ClinVar (database versions not stated): TOPMed 0.00003; gnomAD 0.00005; ExAC 0.00002; gnomAD exomes 0.00002.
gnomAD v4.1: 29 of 1,596,022 alleles (0.0018%); highest among the groups gnomAD compares: Middle Eastern, 0.033%; no homozygotes.

Submission:

Labcorp Genetics (formerly Invitae), Labcorp
Classification: Uncertain significance for Gorlin syndrome. Last evaluated: 2025-06-02. Review status: criteria provided, single submitter. Criteria: Invitae Variant Classification Sherloc (09022015). Collection method: clinical testing. Allele origin: germline.
Comment: This sequence change replaces arginine, which is basic and polar, with cysteine, which is neutral and slightly polar, at codon 915 of the PTCH2 protein (p.Arg915Cys). This variant is present in population databases (rs758477982, gnomAD 0.03%). This variant has not been reported in the literature in individuals affected with PTCH2-related conditions. ClinVar contains an entry for this variant (Variation ID: 578398). Invitae Evidence Modeling of protein sequence and biophysical properties (such as structural, functional, and spatial information, amino acid conservation, physicochemical variation, residue mobility, and thermodynamic stability) indicates that this missense variant is not expected to disrupt PTCH2 protein function with a negative predictive value of 80%. In summary, the available evidence is currently insufficient to determine the role of this variant in disease. Therefore, it has been classified as a Variant of Uncertain Significance.

NM_003738.5(PTCH2):c.2743C>T (p.Arg915Cys)

Gene: PTCH2 (patched 2; minus strand). Cytogenetic location: 1p34.1.
Variant type: single nucleotide variant.
Coding change: c.2743C>T on transcript NM_003738.5 (MANE Select); coding-DNA position 2743, C replaced by T.
Protein change: p.Arg915Cys; replaces arginine 915 with cysteine.
Molecular consequence: missense variant.
Genome position (GRCh38, 1-based): chr1:44,826,721, G>A on the plus strand (C>T on the coding strand, the complement: PTCH2 is on the minus strand). VCF-style: chr1-44826721-G-A. GRCh37 (hg19) VCF-style: chr1-45292393-G-A.
Other names: c.2743C>T, p.Arg915Cys (NM_001166292.2); short protein forms R915C.
Identifiers: ClinVar variation 578398 (VCV000578398.11), dbSNP rs758477982, ClinGen allele CA822894.